The following is an entry in ClinVar:

ClinVar aggregate classification (germline): Uncertain significance (1 of 4 stars; one submission).

Conditions:
Hereditary spastic paraplegia 11. Also called: Nakamura Osame syndrome; Autosomal recessive hereditary spastic paraplegia, mental impairment, and thin corpus callosum; SPASTIC PARAPLEGIA, AUTOSOMAL RECESSIVE, COMPLICATED, WITH THIN CORPUS CALLOSUM; SPASTIC PARAPLEGIA, AUTOSOMAL RECESSIVE, WITH MENTAL IMPAIRMENT AND THIN CORPUS CALLOSUM; Spastic Paraplegia 11; Spastic paraplegia, mental retardation and thin corpus callosum. Identifiers: Orphanet 2822, MedGen C1858479, MONDO:0011445, OMIM 604360.

Submission:

Labcorp Genetics (formerly Invitae), Labcorp
Classification: Uncertain significance for Hereditary spastic paraplegia 11. Last evaluated: 2022-06-15. Review status: criteria provided, single submitter. Criteria: Invitae Variant Classification Sherloc (09022015). Collection method: clinical testing. Allele origin: germline.
Comment: This variant is not present in population databases (gnomAD no frequency). Algorithms developed to predict the effect of missense changes on protein structure and function are either unavailable or do not agree on the potential impact of this missense change (SIFT: "Deleterious"; PolyPhen-2: "Possibly Damaging"; Align-GVGD: "Class C15"). This variant has not been reported in the literature in individuals affected with SPG11-related conditions. This sequence change replaces aspartic acid, which is acidic and polar, with asparagine, which is neutral and polar, at codon 1907 of the SPG11 protein (p.Asp1907Asn). In summary, the available evidence is currently insufficient to determine the role of this variant in disease. Therefore, it has been classified as a Variant of Uncertain Significance.

NM_025137.4(SPG11):c.5719G>A (p.Asp1907Asn)

Gene: SPG11 (SPG11 vesicle trafficking associated, spatacsin; minus strand). Cytogenetic location: 15q21.1.
Variant type: single nucleotide variant.
Coding change: c.5719G>A on transcript NM_025137.4 (MANE Select); coding-DNA position 5719, G replaced by A.
Protein change: p.Asp1907Asn; replaces aspartic acid 1907 with asparagine.
Molecular consequence: missense variant.
Genome position (GRCh38, 1-based): chr15:44,583,961, C>T on the plus strand (G>A on the coding strand, the complement: SPG11 is on the minus strand). VCF-style: chr15-44583961-C-T. GRCh37 (hg19) VCF-style: chr15-44876159-C-T.
Other names: c.5719G>A, p.Asp1907Asn (NM_001160227.2); c.5575G>A, p.Asp1859Asn (NM_001411132.1); short protein forms D1907N, D1859N.
Identifiers: ClinVar variation 2006939 (VCV002006939.4), dbSNP rs758187931, ClinGen allele CA392221593.